The following is an entry in ClinVar:

ClinVar aggregate classification (germline): Pathogenic/Likely pathogenic. Review status: criteria provided, multiple submitters, no conflicts (2 of 4 stars). 3 submissions from 3 submitters: Pathogenic (1); Likely pathogenic (1). 1 of the submissions does not count toward it. Last evaluated 2021-12-02.

Conditions:
Metachromatic leukodystrophy (MLD). Also called: Cerebral sclerosis diffuse metachromatic form; METACHROMATIC LEUKOENCEPHALOPATHY; Arylsulfatase A Deficiency; ARSA DEFICIENCY; CEREBROSIDE SULFATASE DEFICIENCY; SULFATIDE LIPIDOSIS. Identifiers: Orphanet 512, MedGen C0023522, MONDO:0018868, OMIM 250100.

Submissions (3):

Labcorp Genetics (formerly Invitae), Labcorp
Classification: Pathogenic for Metachromatic leukodystrophy. Last evaluated: 2021-12-02. Review status: criteria provided, single submitter. Criteria: Invitae Variant Classification Sherloc (09022015). Collection method: clinical testing. Allele origin: germline.
Comment: This variant has not been reported in the literature in individuals affected with ARSA-related conditions. For these reasons, this variant has been classified as Pathogenic. This variant disrupts a region of the ARSA protein in which other variant(s) (p.Glu483*) have been determined to be pathogenic (PMID: 19021637; Invitae). This suggests that this is a clinically significant region of the protein, and that variants that disrupt it are likely to be disease-causing. Algorithms developed to predict the effect of sequence changes on RNA splicing suggest that this variant may create or strengthen a splice site. ClinVar contains an entry for this variant (Variation ID: 493348). The frequency data for this variant in the population databases is considered unreliable, as metrics indicate poor data quality at this position in the gnomAD database. This sequence change creates a premature translational stop signal (p.Gly446Valfs*13) in the ARSA gene. While this is not anticipated to result in nonsense mediated decay, it is expected to disrupt the last 64 amino acid(s) of the ARSA protein.

CeGaT Center for Human Genetics Tuebingen
Classification: Likely pathogenic. Last evaluated: 2017-10-01. Review status: criteria provided, single submitter. Criteria: CeGaT Center For Human Genetics Tuebingen Variant Classification Criteria Version 2. Collection method: clinical testing. Allele origin: germline. Affected: yes. Observed: 1 variant allele.

Counsyl
Classification: Likely pathogenic for Metachromatic leukodystrophy. Last evaluated: 2017-10-03. Review status: no assertion criteria provided. Collection method: clinical testing. Allele origin: unknown. Not counted in ClinVar's aggregate classification.

Literature cited by the submitters: PubMed 19021637 (cited by Labcorp Genetics (formerly Invitae), Labcorp).

NM_000487.6(ARSA):c.1337del (p.Gly446fs)

Gene: ARSA (arylsulfatase A; minus strand). Cytogenetic location: 22q13.33.
Variant type: Deletion.
Coding change: c.1337del on transcript NM_000487.6 (MANE Select); coding-DNA position 1337, one base deleted (G; older notation c.1337delG).
Protein change: p.Gly446fs; shifts the reading frame from glycine 446.
Molecular consequence: frameshift variant.
Genome position (GRCh38, 1-based): chr22:50,625,338, C deleted on the plus strand (G on the coding strand, the reverse complement: ARSA is on the minus strand); the first of 6 consecutive C bases (chr22:50,625,338-50,625,343); deleting any one gives the same sequence. VCF-style (leftmost placement, unchanged base first): chr22-50625337-AC-A. GRCh37 (hg19) VCF-style: chr22-51063765-AC-A.
Other names: c.1337del, p.Gly446fs (NM_001085425.3, NM_001085426.3, NM_001085427.3); c.1079del, p.Gly360fs (NM_001085428.3, NM_001362782.2); short protein forms G446fs, G360fs.
Identifiers: ClinVar variation 493348 (VCV000493348.50), dbSNP rs750030142, ClinGen allele CA10324744.
Genomic context (GRCh38, chr22:50,625,337, plus strand): 5'-GGCCTTGAGCAGCTGAAGCTGTTTCAGGGCTTGCAGCACCTCTGGGGTGGCCCCGGCCAC[AC>A]CCCCCAGCAGGTTGTAGTTCTCACCAGGGTCCTTGGACAGGTCATAGAGCAGCGGGGGCT-3'